The following is an entry in ClinVar:

ClinVar aggregate classification (germline): Uncertain significance (1 of 4 stars; one submission).

Conditions:
Heterotopia, periventricular, X-linked dominant (PVNH1). Also called: PERIVENTRICULAR NODULAR HETEROTOPIA 4; HETEROTOPIA, PERIVENTRICULAR, 1; PERIVENTRICULAR NODULAR HETEROTOPIA 1; X-linked periventricular heterotopia. Identifiers: Orphanet 2149, Orphanet 82004, MedGen C1848213, MONDO:0010233, OMIM 300049.
Oto-palato-digital syndrome, type II (OPD2). Also called: Otopalatodigital Syndrome, Type II; FACIOPALATOOSSEOUS SYNDROME; OPD II SYNDROME; Otopalatodigital Syndrome Type 2 (FLNA-OPD2). Identifiers: Orphanet 669, Orphanet 90652, MedGen C1844696, MONDO:0010571, OMIM 304120.
Melnick-Needles syndrome (MNS). Also called: MELNICK-NEEDLES OSTEODYSPLASTY; OSTEODYSPLASTY OF MELNICK AND NEEDLES; Melnick-Needles Syndrome (FLNA-MNS). Identifiers: Orphanet 2484, MedGen C0025237, MONDO:0010650, OMIM 309350.
Frontometaphyseal dysplasia (FMD1). Identifiers: Orphanet 1826, MedGen C0265293, MONDO:0015942.

Submission:

Labcorp Genetics (formerly Invitae), Labcorp
Classification: Uncertain significance for Oto-palato-digital syndrome, type II; Heterotopia, periventricular, X-linked dominant; Frontometaphyseal dysplasia; Melnick-Needles syndrome. Last evaluated: 2025-05-01. Review status: criteria provided, single submitter. Criteria: Invitae Variant Classification Sherloc (09022015). Collection method: clinical testing. Allele origin: germline.
Comment: This sequence change replaces threonine, which is neutral and polar, with serine, which is neutral and polar, at codon 2054 of the FLNA protein (p.Thr2054Ser). This variant is not present in population databases (gnomAD no frequency). This variant has not been reported in the literature in individuals affected with FLNA-related conditions. Invitae Evidence Modeling of protein sequence and biophysical properties (such as structural, functional, and spatial information, amino acid conservation, physicochemical variation, residue mobility, and thermodynamic stability) indicates that this missense variant is not expected to disrupt FLNA protein function with a negative predictive value of 95%. In summary, the available evidence is currently insufficient to determine the role of this variant in disease. Therefore, it has been classified as a Variant of Uncertain Significance.

NM_001110556.2(FLNA):c.6185C>G (p.Thr2062Ser)

Gene: FLNA (filamin A; minus strand). Cytogenetic location: Xq28.
Variant type: single nucleotide variant.
Coding change: c.6185C>G on transcript NM_001110556.2 (MANE Select); coding-DNA position 6185, C replaced by G.
Protein change: p.Thr2062Ser; replaces threonine 2062 with serine.
Molecular consequence: missense variant.
Genome position (GRCh38, 1-based): chrX:154,353,042, G>C on the plus strand (C>G on the coding strand, the complement: FLNA is on the minus strand). VCF-style: chrX-154353042-G-C. GRCh37 (hg19) VCF-style: chrX-153581410-G-C.
Other names: c.6161C>G, p.Thr2054Ser (NM_001456.4); short protein forms T2054S, T2062S.
Identifiers: ClinVar variation 4789577 (VCV004789577.1).
Genomic context (GRCh38, chrX:154,353,042, plus strand): 5'-GTGGGCAGCCACTGCCTACCTGCATCGCGGGTATCAATGATAAACTCTGCAGGCTCAAAG[G>C]TGTGGCCTTCGTGAAGGCCCTGACCAGAGACCCGAACACGACTGGCATCCCCAATTTCCG-3'
Protein context (NP_001104026.1, residues 2052-2072): VSGQGLHEGH[Thr2062Ser]FEPAEFIIDT